The following is an entry in ClinVar:

NM_001042492.3(NF1):c.2623G>C (p.Gly875Arg)

Gene: NF1 (neurofibromin 1; plus strand). Cytogenetic location: 17q11.2.
Variant type: single nucleotide variant.
Coding change: c.2623G>C on transcript NM_001042492.3 (MANE Select); coding-DNA position 2623, G replaced by C.
Protein change: p.Gly875Arg; replaces glycine 875 with arginine.
Molecular consequence: missense variant.
Genome position (GRCh38, 1-based): chr17:31,229,238, G>C. VCF-style: chr17-31229238-G-C. GRCh37 (hg19) VCF-style: chr17-29556256-G-C.
Other names: c.2623G>C, p.Gly875Arg (NM_000267.4); short protein forms G875R.
Identifiers: ClinVar variation 947561 (VCV000947561.6), dbSNP rs754734571, ClinGen allele CA398984519.
Genomic context (GRCh38, chr17:31,229,238, plus strand): 5'-AGAAGCAATTCTGGCCTGGCAACCTATAGCCCACCCATGGGTCCAGTCAGTGAACGTAAG[G>C]GTTCTATGATTTCAGTGATGTCTTCAGAGGGAAACGCAGATACACCTGTCAGCAAATTTA-3'
Protein context (NP_001035957.1, residues 865-885): PPMGPVSERK[Gly875Arg]SMISVMSSEG

ClinVar aggregate classification (germline): Uncertain significance (1 of 4 stars; one submission).

Conditions:
Neurofibromatosis, type 1 (NF1). Also called: Peripheral type neurofibromatosis; Neurofibromatosis, type I; VON RECKLINGHAUSEN DISEASE; NEUROFIBROMATOSIS, TYPE I, SOMATIC. Identifiers: Orphanet 636, MedGen C0027831, MONDO:0018975, OMIM 162200. Disease mechanism: loss of function.

gnomAD v4.1: 3 of 1,612,444 alleles (0.00019%); highest among the groups gnomAD compares: Non-Finnish European, 0.00025%; no homozygotes.

Submission:

Labcorp Genetics (formerly Invitae), Labcorp
Classification: Uncertain significance for Neurofibromatosis, type 1. Last evaluated: 2024-09-03. Review status: criteria provided, single submitter. Criteria: Invitae Variant Classification Sherloc (09022015). Collection method: clinical testing. Allele origin: germline.
Comment: This sequence change replaces glycine, which is neutral and non-polar, with arginine, which is basic and polar, at codon 875 of the NF1 protein (p.Gly875Arg). This variant is not present in population databases (gnomAD no frequency). This variant has not been reported in the literature in individuals affected with NF1-related conditions. ClinVar contains an entry for this variant (Variation ID: 947561). Invitae Evidence Modeling of protein sequence and biophysical properties (such as structural, functional, and spatial information, amino acid conservation, physicochemical variation, residue mobility, and thermodynamic stability) indicates that this missense variant is not expected to disrupt NF1 protein function with a negative predictive value of 95%. In summary, the available evidence is currently insufficient to determine the role of this variant in disease. Therefore, it has been classified as a Variant of Uncertain Significance.